The following is an entry in ClinVar:

ClinVar aggregate classification (germline): Uncertain significance (1 of 4 stars; one submission).

Conditions:
Ataxia-telangiectasia syndrome (AT). Also called: Ataxia-telangiectasia, complementation group E; ATAXIA-TELANGIECTASIA, COMPLEMENTATION GROUP A; ATAXIA-TELANGIECTASIA, FRESNO VARIANT; Ataxia-telangiectasia; LOUIS-BAR SYNDROME; Ataxia-telangiectasia, complementation group D. Identifiers: Orphanet 100, MedGen C0004135, MONDO:0008840, OMIM 208900.

Submission:

Labcorp Genetics (formerly Invitae), Labcorp
Classification: Uncertain significance for Ataxia-telangiectasia syndrome. Last evaluated: 2022-11-15. Review status: criteria provided, single submitter. Criteria: Invitae Variant Classification Sherloc (09022015). Collection method: clinical testing. Allele origin: germline.
Comment: In summary, the available evidence is currently insufficient to determine the role of this variant in disease. Therefore, it has been classified as a Variant of Uncertain Significance. Experimental studies and prediction algorithms are not available or were not evaluated, and the functional significance of this variant is currently unknown. This variant has not been reported in the literature in individuals affected with ATM-related conditions. This variant is not present in population databases (gnomAD no frequency). This variant, c.710_721del, results in the deletion of 4 amino acid(s) of the ATM protein (p.Thr237_Leu240del), but otherwise preserves the integrity of the reading frame.

NM_000051.4(ATM):c.710_721del (p.Thr237_Leu240del)

Gene: ATM (ATM serine/threonine kinase; plus strand). Cytogenetic location: 11q22.3.
Variant type: Deletion.
Coding change: c.710_721del on transcript NM_000051.4 (MANE Select); coding-DNA positions 710 to 721, 12 bases deleted (CTATCTTCCTCA).
Protein change: p.Thr237_Leu240del.
Molecular consequence: inframe deletion.
Genome position (GRCh38, 1-based): chr11:108,244,835-108,244,846, CTATCTTCCTCA deleted; deleting any 12 consecutive bases within chr11:108,244,834-108,244,846 gives the same sequence; the c. name uses the placement nearest the transcript's 3' end. VCF-style (leftmost placement, unchanged base first): chr11-108244833-TACTATCTTCCTC-T. GRCh37 (hg19) VCF-style: chr11-108115560-TACTATCTTCCTC-T.
Other names: c.710_721del, p.Thr237_Leu240del (NM_001351834.2).
Identifiers: ClinVar variation 2814540 (VCV002814540.3), dbSNP rs2497148140, ClinGen allele CA2739270945.